The following is an entry in ClinVar:

NR_003051.4(RMRP):n.212dup

Gene: RMRP (RNA component of mitochondrial RNA processing endoribonuclease; minus strand). Cytogenetic location: 9p13.3.
Variant type: Duplication.
Molecular consequence: non-coding transcript variant (on NR_003051.4).
Genome position: GRCh38 VCF-style: chr9-35657807-G-GT. GRCh37 (hg19) VCF-style: chr9-35657804-G-GT.
Identifiers: ClinVar variation 2877943 (VCV002877943.4), dbSNP rs1823604831, ClinGen allele CA1123198961.

ClinVar aggregate classification (germline): Uncertain significance. Review status: criteria provided, multiple submitters, no conflicts (2 of 4 stars). 2 submissions from 2 submitters: Uncertain significance (2). Last evaluated 2025-07-23.

Conditions:
Anauxetic dysplasia. Identifiers: Orphanet 93347, MedGen C1846796, MONDO:0011773.

Allele frequency attached by ClinVar (database versions not stated): gnomAD exomes below 0.00001; TOPMed below 0.00001; gnomAD 0.00001.

Submissions (2):

Women's Health and Genetics/Laboratory Corporation of America, LabCorp
Classification: Uncertain significance. Last evaluated: 2025-07-23. Review status: criteria provided, single submitter. Criteria: LabCorp Variant Classification Summary - May 2015. Collection method: clinical testing. Allele origin: germline.
Comment: Variant summary: RMRP n.211dupA (also known as NC_000009.11: chr9:g.35657805dupT) alters a nucleotide in the non-coding RNA. The variant was absent in 128996 control chromosomes. The available data on variant occurrences in the general population are insufficient to allow any conclusion about variant significance. To our knowledge, no occurrence of n.211dupA in individuals affected with Cartilage-Hair Hypoplasia and no experimental evidence demonstrating its impact on protein function have been reported. ClinVar contains an entry for this variant (Variation ID: 2877943). Based on the evidence outlined above, the variant was classified as uncertain significance.

Labcorp Genetics (formerly Invitae), Labcorp
Classification: Uncertain significance for Anauxetic dysplasia. Last evaluated: 2024-01-06. Review status: criteria provided, single submitter. Criteria: Invitae Variant Classification Sherloc (09022015). Collection method: clinical testing. Allele origin: germline.
Comment: This variant occurs in the RMRP gene, which encodes an RNA molecule that does not result in a protein product. This variant is not present in population databases (gnomAD no frequency). This variant has not been reported in the literature in individuals affected with RMRP-related conditions. Experimental studies and prediction algorithms are not available or were not evaluated, and the functional significance of this variant is currently unknown. In summary, the available evidence is currently insufficient to determine the role of this variant in disease. Therefore, it has been classified as a Variant of Uncertain Significance.